The following is an entry in ClinVar:

ClinVar aggregate classification (germline): Uncertain significance. Review status: criteria provided, multiple submitters, no conflicts (2 of 4 stars). 2 submissions from 2 submitters: Uncertain significance (2). Last evaluated 2025-12-17.

Conditions:
Birt-Hogg-Dube syndrome. Also called: Birt Hogg Dubé syndrome. Identifiers: Orphanet 122, MedGen C0346010, MONDO:0800444.
Hereditary cancer-predisposing syndrome. Also called: Neoplastic Syndromes, Hereditary; Hereditary Cancer Syndrome; Hereditary neoplastic syndrome; Tumor predisposition. Identifiers: Orphanet 140162, MedGen C0027672, MeSH D009386, MONDO:0015356.

Submissions (2):

Labcorp Genetics (formerly Invitae), Labcorp
Classification: Uncertain significance for Birt-Hogg-Dube syndrome. Last evaluated: 2025-12-17. Review status: criteria provided, single submitter. Criteria: Invitae Variant Classification Sherloc (09022015). Collection method: clinical testing. Allele origin: germline.
Comment: This sequence change replaces serine, which is neutral and polar, with threonine, which is neutral and polar, at codon 56 of the FLCN protein (p.Ser56Thr). This variant is not present in population databases (gnomAD no frequency). This variant has not been reported in the literature in individuals affected with FLCN-related conditions. ClinVar contains an entry for this variant (Variation ID: 848688). An algorithm developed to predict the effect of missense changes on protein structure and function (PolyPhen-2) suggests that this variant is likely to be tolerated. In summary, the available evidence is currently insufficient to determine the role of this variant in disease. Therefore, it has been classified as a Variant of Uncertain Significance.

Ambry Genetics
Classification: Uncertain significance for Hereditary cancer-predisposing syndrome. Last evaluated: 2024-09-25. Review status: criteria provided, single submitter. Criteria: Ambry Variant Classification Scheme 2023. Collection method: clinical testing. Allele origin: germline.

NM_144997.7(FLCN):c.167G>C (p.Ser56Thr)

Gene: FLCN (folliculin; minus strand). Cytogenetic location: 17p11.2.
Variant type: single nucleotide variant.
Coding change: c.167G>C on transcript NM_144997.7 (MANE Select); coding-DNA position 167, G replaced by C.
Protein change: p.Ser56Thr; replaces serine 56 with threonine.
Molecular consequence: missense variant.
Genome position (GRCh38, 1-based): chr17:17,227,971, C>G on the plus strand (G>C on the coding strand, the complement: FLCN is on the minus strand). VCF-style: chr17-17227971-C-G. GRCh37 (hg19) VCF-style: chr17-17131285-C-G.
Other names: c.167G>C, p.Ser56Thr (NM_001353229.2, NM_001353230.2, NM_001353231.2 and 1 more transcripts); short protein forms S56T.
Identifiers: ClinVar variation 848688 (VCV000848688.8), dbSNP rs2047307172, ClinGen allele CA398535182.